The following is an entry in ClinVar:

ClinVar aggregate classification (germline): Uncertain significance (1 of 4 stars; one submission).

Conditions:
Dilated cardiomyopathy 1DD (CMD1DD). Identifiers: Orphanet 154, MedGen C2750995, MONDO:0013168, OMIM 613172.

Allele frequency attached by ClinVar (database versions not stated): TOPMed 0.00001.
gnomAD v4.1: 12 of 1,551,632 alleles (0.00077%); highest among the groups gnomAD compares: Non-Finnish European, 0.001%; no homozygotes.

Submission:

Labcorp Genetics (formerly Invitae), Labcorp
Classification: Uncertain significance for Dilated cardiomyopathy 1DD. Last evaluated: 2022-12-07. Review status: criteria provided, single submitter. Criteria: Invitae Variant Classification Sherloc (09022015). Collection method: clinical testing. Allele origin: germline.
Comment: This sequence change replaces arginine, which is basic and polar, with glycine, which is neutral and non-polar, at codon 791 of the RBM20 protein (p.Arg791Gly). This variant is not present in population databases (gnomAD no frequency). This variant has not been reported in the literature in individuals affected with RBM20-related conditions. ClinVar contains an entry for this variant (Variation ID: 582660). Advanced modeling of protein sequence and biophysical properties (such as structural, functional, and spatial information, amino acid conservation, physicochemical variation, residue mobility, and thermodynamic stability) performed at Invitae indicates that this missense variant is not expected to disrupt RBM20 protein function. In summary, the available evidence is currently insufficient to determine the role of this variant in disease. Therefore, it has been classified as a Variant of Uncertain Significance.

NM_001134363.3(RBM20):c.2371C>G (p.Arg791Gly)

Gene: RBM20 (RNA binding motif protein 20; plus strand). Cytogenetic location: 10q25.2.
Variant type: single nucleotide variant.
Coding change: c.2371C>G on transcript NM_001134363.3 (MANE Select); coding-DNA position 2371, C replaced by G.
Protein change: p.Arg791Gly; replaces arginine 791 with glycine.
Molecular consequence: missense variant.
Genome position (GRCh38, 1-based): chr10:110,812,768, C>G. VCF-style: chr10-110812768-C-G. GRCh37 (hg19) VCF-style: chr10-112572526-C-G.
Other names: short protein forms R791G.
Identifiers: ClinVar variation 582660 (VCV000582660.8), dbSNP rs529403382, ClinGen allele CA213224265.